The following is an entry in ClinVar:

ClinVar aggregate classification (germline): Likely benign. Review status: criteria provided, multiple submitters, no conflicts (2 of 4 stars). 3 submissions from 3 submitters: Likely benign (2). 1 of the submissions does not count toward it. Last evaluated 2025-09-13.

Conditions:
Trichorhinophalangeal dysplasia type I (TRPS1). Also called: TRICHORHINOPHALANGEAL SYNDROME, TYPE I; TRPS I. Identifiers: Orphanet 77258, MedGen C0432233, MONDO:0008596, OMIM 190350.
Trichorhinophalangeal syndrome, type III (TRPS3). Also called: SUGIO-KAJII SYNDROME. Identifiers: Orphanet 77258, MedGen C1860823, OMIM 190351, MONDO:0008597.
TRPS1-related disorder. Also called: TRPS1-related condition.
Inborn genetic diseases. Identifiers: MedGen C0950123, MeSH D030342.

Allele frequency attached by ClinVar (database versions not stated): ESP Exome Variant Server 0.00008; gnomAD 0.00029; TOPMed 0.00029; 1000 Genomes Project 30x 0.00031; 1000 Genomes Project 0.00040; ExAC 0.00041; gnomAD exomes 0.00044.
gnomAD v4.1: 276 of 1,614,076 alleles (0.017%); highest among the groups gnomAD compares: South Asian, 0.12%; 5 homozygotes.

Submissions (3):

Labcorp Genetics (formerly Invitae), Labcorp
Classification: Likely benign for Trichorhinophalangeal syndrome, type III; Trichorhinophalangeal dysplasia type I. Last evaluated: 2025-09-13. Review status: criteria provided, single submitter. Criteria: Invitae Variant Classification Sherloc (09022015). Collection method: clinical testing. Allele origin: germline.

Ambry Genetics
Classification: Likely benign for Inborn genetic diseases. Last evaluated: 2024-03-30. Review status: criteria provided, single submitter. Criteria: Ambry Variant Classification Scheme 2023. Collection method: clinical testing. Allele origin: germline.

PreventionGenetics, part of Exact Sciences
Classification: Likely benign for TRPS1-related condition. Last evaluated: 2019-10-01. Review status: no assertion criteria provided. Collection method: clinical testing. Allele origin: germline. Not counted in ClinVar's aggregate classification.
Comment: This variant is classified as likely benign based on ACMG/AMP sequence variant interpretation guidelines (Richards et al. 2015 PMID: 25741868, with internal and published modifications).

NM_014112.5(TRPS1):c.3202G>A (p.Val1068Ile)

Gene: TRPS1 (transcriptional repressor GATA binding 1; minus strand). Cytogenetic location: 8q23.3.
Variant type: single nucleotide variant.
Coding change: c.3202G>A on transcript NM_014112.5 (MANE Select); coding-DNA position 3202, G replaced by A.
Protein change: p.Val1068Ile; replaces valine 1068 with isoleucine.
Molecular consequence: missense variant.
Genome position (GRCh38, 1-based): chr8:115,414,706, C>T on the plus strand (G>A on the coding strand, the complement: TRPS1 is on the minus strand). VCF-style: chr8-115414706-C-T. GRCh37 (hg19) VCF-style: chr8-116426934-C-T.
Other names: c.3202G>A (NM_014112.4); c.3175G>A, p.Val1059Ile (NM_001282902.3); c.3181G>A, p.Val1061Ile (NM_001282903.3); c.3163G>A, p.Val1055Ile (NM_001330599.2); short protein forms V1068I, V1059I, V1055I, V1061I.
Identifiers: ClinVar variation 1568500 (VCV001568500.11), dbSNP rs200107935, ClinGen allele CA4851512.